The following is an entry in ClinVar:

ClinVar aggregate classification (germline): Uncertain significance (1 of 4 stars; one submission).

Submission:

Labcorp Genetics (formerly Invitae), Labcorp
Classification: Uncertain significance. Last evaluated: 2022-07-05. Review status: criteria provided, single submitter. Criteria: Invitae Variant Classification Sherloc (09022015). Collection method: clinical testing. Allele origin: germline.
Comment: In summary, the available evidence is currently insufficient to determine the role of this variant in disease. Therefore, it has been classified as a Variant of Uncertain Significance. Algorithms developed to predict the effect of missense changes on protein structure and function output the following: SIFT: "Tolerated"; PolyPhen-2: "Benign"; Align-GVGD: "Class C0". The glutamic acid amino acid residue is found in multiple mammalian species, which suggests that this missense change does not adversely affect protein function. This variant has not been reported in the literature in individuals affected with CDT1-related conditions. This variant is not present in population databases (gnomAD no frequency). This sequence change replaces glycine, which is neutral and non-polar, with glutamic acid, which is acidic and polar, at codon 393 of the CDT1 protein (p.Gly393Glu).

NM_030928.4(CDT1):c.1178G>A (p.Gly393Glu)

Gene: CDT1 (chromatin licensing and DNA replication factor 1; plus strand). Cytogenetic location: 16q24.3.
Variant type: single nucleotide variant.
Coding change: c.1178G>A on transcript NM_030928.4 (MANE Select); coding-DNA position 1178, G replaced by A.
Protein change: p.Gly393Glu; replaces glycine 393 with glutamic acid.
Molecular consequence: missense variant.
Genome position (GRCh38, 1-based): chr16:88,807,106, G>A. VCF-style: chr16-88807106-G-A. GRCh37 (hg19) VCF-style: chr16-88873514-G-A.
Other names: short protein forms G393E.
Identifiers: ClinVar variation 2062541 (VCV002062541.4), dbSNP rs746870943, ClinGen allele CA397081356.